The following is an entry in ClinVar:

ClinVar aggregate classification (germline): Uncertain significance (1 of 4 stars; one submission).

Allele frequency attached by ClinVar (database versions not stated): gnomAD exomes below 0.00001.
gnomAD v4.1: 3 of 1,573,682 alleles (0.00019%); highest among the groups gnomAD compares: Non-Finnish European, 0.00026%; no homozygotes.

Submission:

Labcorp Genetics (formerly Invitae), Labcorp
Classification: Uncertain significance. Last evaluated: 2019-11-13. Review status: criteria provided, single submitter. Criteria: Invitae Variant Classification Sherloc (09022015). Collection method: clinical testing. Allele origin: germline.
Comment: This sequence change replaces leucine with proline at codon 8 of the NR2E3 protein (p.Leu8Pro). The leucine residue is weakly conserved and there is a moderate physicochemical difference between leucine and proline In summary, the available evidence is currently insufficient to determine the role of this variant in disease. Therefore, it has been classified as a Variant of Uncertain Significance. Algorithms developed to predict the effect of missense changes on protein structure and function (SIFT, PolyPhen-2, Align-GVGD) all suggest that this variant is likely to be tolerated, but these predictions have not been confirmed by published functional studies and their clinical significance is uncertain. This variant has not been reported in the literature in individuals with NR2E3-related conditions. This variant is not present in population databases (ExAC no frequency).

NM_014249.4(NR2E3):c.23T>C (p.Leu8Pro)

Gene: NR2E3 (nuclear receptor subfamily 2 group E member 3; plus strand). Cytogenetic location: 15q23.
Variant type: single nucleotide variant.
Coding change: c.23T>C on transcript NM_014249.4 (MANE Select); coding-DNA position 23, T replaced by C.
Protein change: p.Leu8Pro; replaces leucine 8 with proline.
Molecular consequence: missense variant.
Genome position (GRCh38, 1-based): chr15:71,810,766, T>C. VCF-style: chr15-71810766-T-C. GRCh37 (hg19) VCF-style: chr15-72103106-T-C.
Other names: c.23T>C, p.Leu8Pro (NM_016346.4); short protein forms L8P.
Identifiers: ClinVar variation 959898 (VCV000959898.8), dbSNP rs2054171599, ClinGen allele CA393031419.